The following is an entry in ClinVar:

NM_003159.3(CDKL5):c.2796del (p.Gly933fs)

Genes: CDKL5 (cyclin dependent kinase like 5; plus strand), RS1 (retinoschisin 1; minus strand). Cytogenetic location: Xp22.13.
Variant type: Deletion.
Coding change: c.2796del on transcript NM_003159.3; coding-DNA position 2796, one base deleted (A; older notation c.2796delA).
Protein change: p.Gly933fs; shifts the reading frame from glycine 933.
Molecular consequence: frameshift variant. On other transcripts: intron variant (1).
Genome position (GRCh38, 1-based): chrX:18,646,089, A deleted; the last of 2 consecutive A bases (chrX:18,646,088-18,646,089); deleting either gives the same sequence. VCF-style (leftmost placement, unchanged base first): chrX-18646087-CA-C. GRCh37 (hg19) VCF-style: chrX-18664207-CA-C.
Other names: c.2796del, p.Gly933fs (NM_001037343.2); c.326+1103del (NM_000330.4); short protein forms G933fs.
Identifiers: ClinVar variation 2048101 (VCV002048101.4), dbSNP rs2518922063, ClinGen allele CA2580100412.

ClinVar aggregate classification (germline): Uncertain significance (1 of 4 stars; one submission).

Conditions:
Developmental and epileptic encephalopathy, 2 (DEE2). Also called: INFANTILE SPASM SYNDROME, X-LINKED 2; CDKL5 deficiency disorder. Identifiers: Orphanet 1934, Orphanet 3451, Orphanet 505652, MedGen C4750718, MONDO:0010396, OMIM 300672.
Angelman syndrome-like. Identifiers: MedGen CN128785.

Submission:

Labcorp Genetics (formerly Invitae), Labcorp
Classification: Uncertain significance for Developmental and epileptic encephalopathy, 2; Angelman syndrome-like. Last evaluated: 2022-07-18. Review status: criteria provided, single submitter. Criteria: Invitae Variant Classification Sherloc (09022015). Collection method: clinical testing. Allele origin: germline.
Comment: This variant has not been reported in the literature in individuals affected with CDKL5-related conditions. In summary, the available evidence is currently insufficient to determine the role of this variant in disease. Therefore, it has been classified as a Variant of Uncertain Significance. This variant is not present in population databases (gnomAD no frequency). This sequence change creates a premature translational stop signal (p.Gly933Glufs*67) in the CDKL5 gene. While this is not anticipated to result in nonsense mediated decay, it is expected to disrupt the last 98 amino acid(s) of the CDKL5 protein.